The following is an entry in ClinVar:

NM_017819.4(TRMT10C):c.932C>A (p.Ser311Tyr)

Gene: TRMT10C (tRNA methyltransferase 10C, mitochondrial RNase P subunit; plus strand). Cytogenetic location: 3q12.3.
Variant type: single nucleotide variant.
Coding change: c.932C>A on transcript NM_017819.4 (MANE Select); coding-DNA position 932, C replaced by A.
Protein change: p.Ser311Tyr; replaces serine 311 with tyrosine.
Molecular consequence: missense variant.
Genome position (GRCh38, 1-based): chr3:101,565,713, C>A. VCF-style: chr3-101565713-C-A. GRCh37 (hg19) VCF-style: chr3-101284557-C-A.
Other names: short protein forms S311Y.
Identifiers: ClinVar variation 1382996 (VCV001382996.6), dbSNP rs2108262317, ClinGen allele CA353865651.
Genomic context (GRCh38, chr3:101,565,713, plus strand): 5'-CTGCAGATTCTCCCAATGTTATGACTACTTTCAGGCATGACAAAGTTTATGTAATTGGGT[C>A]TTTTGTTGATAAGAGTATGCAGCCAGGCACATCCCTAGCCAAGGCAAAACGGCTGAACCT-3'
Protein context (NP_060289.2, residues 301-321): FRHDKVYVIG[Ser311Tyr]FVDKSMQPGT

ClinVar aggregate classification (germline): Uncertain significance (1 of 4 stars; one submission).

Submission:

Labcorp Genetics (formerly Invitae), Labcorp
Classification: Uncertain significance. Last evaluated: 2021-09-24. Review status: criteria provided, single submitter. Criteria: Invitae Variant Classification Sherloc (09022015). Collection method: clinical testing. Allele origin: germline.
Comment: This variant has not been reported in the literature in individuals affected with TRMT10C-related conditions. Algorithms developed to predict the effect of missense changes on protein structure and function are either unavailable or do not agree on the potential impact of this missense change (SIFT: "Deleterious"; PolyPhen-2: "Probably Damaging"; Align-GVGD: "Class C15"). In summary, the available evidence is currently insufficient to determine the role of this variant in disease. Therefore, it has been classified as a Variant of Uncertain Significance. This variant is not present in population databases (ExAC no frequency). This sequence change replaces serine with tyrosine at codon 311 of the TRMT10C protein (p.Ser311Tyr). The serine residue is highly conserved and there is a large physicochemical difference between serine and tyrosine.